The following is an entry in ClinVar:

Conditions:
Breast-ovarian cancer, familial, susceptibility to, 1 (BROVCA1). Also called: BRCA1 Hereditary Breast and Ovarian Cancer; OVARIAN CANCER, SUSCEPTIBILITY TO. Identifiers: Orphanet 145, MedGen C2676676, MONDO:0011450, OMIM 604370. Disease mechanism: loss of function.

Submission:

Brotman Baty Institute, University of Washington
No classification provided (evidence only). Condition: Breast-ovarian cancer, familial 1. Review status: no classification provided. Collection method: in vitro. Allele origin: not applicable. Functional consequence: functionally_normal.
ClinVar note: "not provided" was previously submitted as the classification for the variant. However, the classification appeared to be based only on an observation of functional data so it was converted to no classification on 2025-07-30.

NM_007294.4(BRCA1):c.301T>A (p.Tyr101Asn)

Gene: BRCA1 (BRCA1 DNA repair associated; minus strand). Cytogenetic location: 17q21.31.
Variant type: single nucleotide variant.
Coding change: c.301T>A on transcript NM_007294.4 (MANE Select); coding-DNA position 301, T replaced by A.
Protein change: p.Tyr101Asn; replaces tyrosine 101 with asparagine.
Molecular consequence: missense variant. On other transcripts: non-coding transcript variant (1).
Genome position (GRCh38, 1-based): chr17:43,104,868, A>T on the plus strand (T>A on the coding strand, the complement: BRCA1 is on the minus strand). VCF-style: chr17-43104868-A-T. GRCh37 (hg19) VCF-style: chr17-41256885-A-T.
Other names: c.160T>A, p.Tyr54Asn (NM_001407752.1, NM_001407838.1, NM_001407839.1 and 99 more transcripts); c.91T>A, p.Tyr31Asn (NM_001407853.1, NM_001407879.1, NM_001407881.1 and 58 more transcripts); c.301T>A, p.Tyr101Asn (NM_001407854.1, NM_001407858.1, NM_001407859.1 and 165 more transcripts); c.223T>A, p.Tyr75Asn (NM_001407862.1, NM_001407874.1, NM_001407875.1 and 21 more transcripts); c.-81T>A (NM_001407959.1, NM_001407960.1, NM_001407962.1 and 4 more transcripts); c.169T>A, p.Tyr57Asn (NM_001408451.1); short protein forms Y54N, Y101N, Y31N, Y75N, Y57N.
Identifiers: ClinVar variation 868831 (VCV000868831.3), dbSNP rs1555596637, ClinGen allele CA10601552.